The following is an entry in ClinVar:

NM_005732.4(RAD50):c.3G>A (p.Met1Ile)

Gene: RAD50 (RAD50 double strand break repair protein; plus strand). Cytogenetic location: 5q31.1.
Variant type: single nucleotide variant.
Coding change: c.3G>A on transcript NM_005732.4 (MANE Select); coding-DNA position 3, G replaced by A.
Protein change: p.Met1Ile; changes the start codon (methionine 1).
Molecular consequence: missense variant, initiator codon variant.
Genome position (GRCh38, 1-based): chr5:132,557,327, G>A. VCF-style: chr5-132557327-G-A. GRCh37 (hg19) VCF-style: chr5-131893019-G-A.
Other names: short protein forms M1I.
Identifiers: ClinVar variation 128024 (VCV000128024.27), dbSNP rs377260382, ClinGen allele CA331889.

ClinVar aggregate classification (germline): Pathogenic/Likely pathogenic. Review status: criteria provided, multiple submitters, no conflicts (2 of 4 stars). 4 submissions from 4 submitters: Pathogenic (1); Likely pathogenic (3). Last evaluated 2025-11-10.

Conditions:
Hereditary cancer-predisposing syndrome. Also called: Tumor predisposition; Hereditary neoplastic syndrome; Neoplastic Syndromes, Hereditary; Hereditary Cancer Syndrome. Identifiers: Orphanet 140162, MedGen C0027672, MeSH D009386, MONDO:0015356.
Nijmegen breakage syndrome-like disorder (NBSLD). Also called: MICROCEPHALY AND SPONTANEOUS CHROMOSOME INSTABILITY WITHOUT IMMUNODEFICIENCY; NBS-LIKE DISORDER; RAD50 DEFICIENCY. Identifiers: Orphanet 240760, MedGen C2751318, MONDO:0013118, OMIM 613078.

Allele frequency attached by ClinVar (database versions not stated): ExAC 0.00003; gnomAD 0.00004; gnomAD exomes 0.00005 and 0.00012; TOPMed 0.00006; ESP Exome Variant Server 0.00015.

Submissions (4):

Labcorp Genetics (formerly Invitae), Labcorp
Classification: Likely pathogenic for Hereditary cancer-predisposing syndrome. Last evaluated: 2025-11-10. Review status: criteria provided, single submitter. Criteria: Invitae Variant Classification Sherloc (09022015). Collection method: clinical testing. Allele origin: germline.
Comment: This sequence change affects the initiator codon of the RAD50 mRNA. This change may impact translation initiation or efficiency. The next in-frame methionine is located at codon 7. This variant is present in population databases (rs377260382, gnomAD 0.01%). Disruption of the initiator codon has been observed in individual(s) with breast cancer and/or clinical features of Nijmegen breakage syndrome-like disorder (PMID: 26023681, 26094658; internal data). In at least one individual the data is consistent with being in trans (on the opposite chromosome) from a pathogenic variant. ClinVar contains an entry for this variant (Variation ID: 128024). In summary, the currently available evidence indicates that the variant is pathogenic, but additional data are needed to prove that conclusively. Therefore, this variant has been classified as Likely Pathogenic.

CeGaT Center for Human Genetics Tuebingen
Classification: Likely pathogenic. Last evaluated: 2025-09-01. Review status: criteria provided, single submitter. Criteria: CeGaT Center For Human Genetics Tuebingen Variant Classification Criteria Version 2. Collection method: clinical testing. Allele origin: germline. Affected: yes. Observed: 1 variant allele.
Comment: RAD50: PM2, PM3, PVS1:Moderate

Ambry Genetics
Classification: Likely pathogenic for Hereditary cancer-predisposing syndrome. Last evaluated: 2024-08-01. Review status: criteria provided, single submitter. Criteria: Ambry Variant Classification Scheme 2023. Collection method: clinical testing. Allele origin: germline.
Comment: The p.M1? variant (also known as c.3G>A) is located in coding exon 1 of the RAD50 gene and results from a G to A substitution at nucleotide position 3. This alters the methionine residue at the initiation codon (ATG). However, the RAD50 gene contains a second in-frame methionine 21 nucleotides (seven amino acids) downstream of the canonical start site. This has the potential to function as an alternate translation initiation site, resulting in the removal of the first six amino acids from the protein; however, direct evidence is unavailable. This alteration was detected in 1/104 Irish familial breast cancer families and in 0/140 controls (Aloraifi F et al. FEBS J. 2015 Sep;282:3424-37) and in 3 individuals diagnosed with breast cancer and 1 healthy control (Dumont M et al. Cancers (Basel). 2022 Jul;14(14)). This amino acid position is highly conserved in available vertebrate species. In addition to the clinical data presented in the literature, since sequence variations that modify the initiation codon (ATG) are expected to result in either loss of translation initiation, N-terminal truncation, or cause a shift in the mRNA reading frame. Based on the majority of available evidence to date, this variant is likely to be pathogenic.

Revvity Omics, Revvity
Classification: Pathogenic for Nijmegen breakage syndrome-like disorder. Last evaluated: 2019-03-20. Review status: criteria provided, single submitter. Criteria: ACMG Guidelines, 2015. Collection method: clinical testing. Allele origin: germline.

Literature cited by the submitters: PubMed 26023681 (cited by Labcorp Genetics (formerly Invitae), Labcorp and Ambry Genetics); PubMed 26094658 (cited by Labcorp Genetics (formerly Invitae), Labcorp and Ambry Genetics); PubMed 28687971 (cited by Ambry Genetics); PubMed 33858029 (cited by Ambry Genetics); PubMed 34654685 (cited by Ambry Genetics); PubMed 34887416 (cited by Ambry Genetics); PubMed 35884425 (cited by Ambry Genetics).